The following is an entry in ClinVar:

NM_005559.4(LAMA1):c.4501del (p.Thr1501fs)

Gene: LAMA1 (laminin subunit alpha 1; minus strand). Cytogenetic location: 18p11.31.
Variant type: Deletion.
Coding change: c.4501del on transcript NM_005559.4 (MANE Select); coding-DNA position 4501, one base deleted (A; older notation c.4501delA).
Protein change: p.Thr1501fs; shifts the reading frame from threonine 1501.
Molecular consequence: frameshift variant.
Genome position (GRCh38, 1-based): chr18:6,999,607, T deleted on the plus strand (A on the coding strand, the reverse complement: LAMA1 is on the minus strand); the first of 3 consecutive T bases (chr18:6,999,607-6,999,609); deleting any one gives the same sequence. VCF-style (leftmost placement, unchanged base first): chr18-6999606-GT-G. GRCh37 (hg19) VCF-style: chr18-6999605-GT-G.
Other names: short protein forms T1501fs.
Identifiers: ClinVar variation 3776289 (VCV003776289.3).

ClinVar aggregate classification (germline): Likely pathogenic. Review status: criteria provided, multiple submitters, no conflicts (2 of 4 stars). 2 submissions from 2 submitters: Likely pathogenic (2). Last evaluated 2023-06-13.

Conditions:
Ataxia - intellectual disability - oculomotor apraxia - cerebellar cysts syndrome. Also called: Poretti-Boltshauser syndrome. Identifiers: Orphanet 370022, MedGen C4014821, MONDO:0014419, OMIM 615960.

Submissions (2):

3billion
Classification: Likely pathogenic for Ataxia - intellectual disability - oculomotor apraxia - cerebellar cysts syndrome. Last evaluated: 2023-06-13. Review status: criteria provided, single submitter. Criteria: ACMG Guidelines, 2015. Collection method: clinical testing. Allele origin: germline. Affected: yes.
Comment: The variant is not observed in the gnomAD v2.1.1 dataset. Predicted Consequence/Location: Frameshift: predicted to result in a loss or disruption of normal protein function through nonsense-mediated decay (NMD) or protein truncation. Multiple pathogenic variants are reported downstream of the variant. Therefore, this variant is classified as Likely pathogenic according to the recommendation of ACMG/AMP guideline.

Juno Genomics, Hangzhou Juno Genomics, Inc
Classification: Likely pathogenic for Ataxia - intellectual disability - oculomotor apraxia - cerebellar cysts syndrome. Review status: criteria provided, single submitter. Criteria: ACMG Guidelines, 2015. Collection method: clinical testing. Allele origin: germline.
Comment: Absent from controls (or at extremely low frequency if recessive) in Genome Aggregation Database.;Null variant in a gene where loss of function (LOF) is a known mechanism of disease.